The following is an entry in ClinVar:

NM_001963.6(EGF):c.1053G>T (p.Arg351=)

Gene: EGF (epidermal growth factor; plus strand). Cytogenetic location: 4q25.
Variant type: single nucleotide variant.
Coding change: c.1053G>T on transcript NM_001963.6 (MANE Select); coding-DNA position 1053, G replaced by T.
Protein change: p.Arg351=; no amino-acid change (arginine 351 retained).
Molecular consequence: synonymous variant. On other transcripts: intron variant (2).
Genome position (GRCh38, 1-based): chr4:109,959,424, G>T. VCF-style: chr4-109959424-G-T. GRCh37 (hg19) VCF-style: chr4-110880580-G-T.
Other names: c.1053G>T, p.Arg351= (NM_001178130.3); c.941-1443G>T (NM_001178131.3, NM_001357021.2).
Identifiers: ClinVar variation 4723741 (VCV004723741.1).

ClinVar aggregate classification (germline): Uncertain significance (1 of 4 stars; one submission).

Submission:

Labcorp Genetics (formerly Invitae), Labcorp
Classification: Uncertain significance. Last evaluated: 2025-09-29. Review status: criteria provided, single submitter. Criteria: Invitae Variant Classification Sherloc (09022015). Collection method: clinical testing. Allele origin: germline.
Comment: This sequence change affects codon 351 of the EGF mRNA. It is a 'silent' change, meaning that it does not change the encoded amino acid sequence of the EGF protein. This variant is not present in population databases (gnomAD no frequency). This variant has not been reported in the literature in individuals affected with EGF-related conditions. Algorithms developed to predict the effect of sequence changes on RNA splicing suggest that this variant may disrupt the consensus splice site. In summary, the available evidence is currently insufficient to determine the role of this variant in disease. Therefore, it has been classified as a Variant of Uncertain Significance.